The following is an entry in ClinVar:

NM_017780.4(CHD7):c.6990C>T (p.Gly2330=)

Gene: CHD7 (chromodomain helicase DNA binding protein 7; plus strand). Cytogenetic location: 8q12.2.
Variant type: single nucleotide variant.
Coding change: c.6990C>T on transcript NM_017780.4 (MANE Select); coding-DNA position 6990, C replaced by T.
Protein change: p.Gly2330=; no amino-acid change (glycine 2330 retained).
Molecular consequence: synonymous variant. On other transcripts: intron variant (1).
Genome position (GRCh38, 1-based): chr8:60,856,028, C>T. VCF-style: chr8-60856028-C-T. GRCh37 (hg19) VCF-style: chr8-61768587-C-T.
Other names: c.1717-6201C>T (NM_001316690.1).
Identifiers: ClinVar variation 705340 (VCV000705340.8), dbSNP rs559382275, ClinGen allele CA4760717.

ClinVar aggregate classification (germline): Benign/Likely benign. Review status: criteria provided, multiple submitters, no conflicts (2 of 4 stars). 5 submissions from 5 submitters: Benign (3); Likely benign (1). 1 of the submissions does not count toward it. Last evaluated 2024-06-11.

Conditions:
CHD7-related disorder. Also called: CHD7-related condition.

Allele frequency attached by ClinVar (database versions not stated): gnomAD exomes 0.00007 and 0.00016; ExAC 0.00035; gnomAD 0.00088 and 0.00094; TOPMed 0.00100; 1000 Genomes Project 0.00120; 1000 Genomes Project 30x 0.00156.
gnomAD v4.1: 237 of 1,611,638 alleles (0.015%); highest among the groups gnomAD compares: African/African-American, 0.3%; 2 homozygotes.

Submissions (5):

Blueprint Genetics
Classification: Likely benign. Last evaluated: 2024-06-11. Review status: criteria provided, single submitter. Criteria: ACMG Guidelines, 2015. Collection method: clinical testing. Allele origin: germline.

GeneDx
Classification: Benign. Last evaluated: 2021-01-10. Review status: criteria provided, single submitter. Criteria: GeneDx Variant Classification Process June 2021. Collection method: clinical testing. Allele origin: germline. Affected: yes.

Labcorp Genetics (formerly Invitae), Labcorp
Classification: Benign. Last evaluated: 2018-03-30. Review status: criteria provided, single submitter. Criteria: Invitae Variant Classification Sherloc (09022015). Collection method: clinical testing. Allele origin: germline.

Breakthrough Genomics
Classification: Benign. Review status: criteria provided, single submitter. Criteria: ACMG Guidelines, 2015. Collection method: not provided. Allele origin: germline. Inheritance: Autosomal dominant inheritance. Affected: yes.

PreventionGenetics, part of Exact Sciences
Classification: Likely benign for CHD7-related condition. Last evaluated: 2021-08-11. Review status: no assertion criteria provided. Collection method: clinical testing. Allele origin: germline. Not counted in ClinVar's aggregate classification.
Comment: This variant is classified as likely benign based on ACMG/AMP sequence variant interpretation guidelines (Richards et al. 2015 PMID: 25741868, with internal and published modifications).